The following is an entry in ClinVar:

ClinVar aggregate classification (germline): Uncertain significance. Review status: criteria provided, multiple submitters, no conflicts (2 of 4 stars). 3 submissions from 3 submitters: Uncertain significance (2). 1 of the submissions does not count toward it. Last evaluated 2025-08-22.

Conditions:
Inborn genetic diseases. Identifiers: MedGen C0950123, MeSH D030342.
Methylcrotonyl-CoA carboxylase deficiency. Also called: 3 Methylcrotonylglycinuria; 3-MCC Deficiency; Deficiency of methylcrotonoyl-CoA carboxylase. Identifiers: Orphanet 6, MedGen C4551505, MONDO:0018950.
3-methylcrotonyl-CoA carboxylase 2 deficiency. Also called: 3 alpha methylcrotonyl-CoA carboxylase 2 deficiency; 3 alpha methylcrotonylglycinuria 2; MCC 2 deficiency; Methylcrotonylglycinuria type 2; METHYLCROTONYLGLYCINURIA, TYPE II. Identifiers: Orphanet 6, MedGen C1859499, MONDO:0008862, OMIM 210210.

Allele frequency attached by ClinVar (database versions not stated): gnomAD exomes below 0.00001; ExAC 0.00001; gnomAD 0.00001; 1000 Genomes Project 30x 0.00016; 1000 Genomes Project 0.00020.
gnomAD v4.1: 2 of 1,614,214 alleles (0.00012%); highest among the groups gnomAD compares: Admixed American, 0.0033%; no homozygotes.

Submissions (3):

Ambry Genetics
Classification: Uncertain significance for Inborn genetic diseases. Last evaluated: 2025-08-22. Review status: criteria provided, single submitter. Criteria: Ambry Variant Classification Scheme 2023. Collection method: clinical testing. Allele origin: germline.

Labcorp Genetics (formerly Invitae), Labcorp
Classification: Uncertain significance for 3-methylcrotonyl-CoA carboxylase 2 deficiency. Last evaluated: 2022-09-27. Review status: criteria provided, single submitter. Criteria: Invitae Variant Classification Sherloc (09022015). Collection method: clinical testing. Allele origin: germline.
Comment: This sequence change replaces asparagine, which is neutral and polar, with aspartic acid, which is acidic and polar, at codon 480 of the MCCC2 protein (p.Asn480Asp). This variant is not present in population databases (gnomAD no frequency). This variant has not been reported in the literature in individuals affected with MCCC2-related conditions. ClinVar contains an entry for this variant (Variation ID: 991036). Advanced modeling of protein sequence and biophysical properties (such as structural, functional, and spatial information, amino acid conservation, physicochemical variation, residue mobility, and thermodynamic stability) performed at Invitae indicates that this missense variant is not expected to disrupt MCCC2 protein function. In summary, the available evidence is currently insufficient to determine the role of this variant in disease. Therefore, it has been classified as a Variant of Uncertain Significance.

Natera, Inc.
Classification: Uncertain significance for 3-methylcrotonylglycinuria. Last evaluated: 2020-09-16. Review status: no assertion criteria provided. Collection method: clinical testing. Allele origin: germline. Not counted in ClinVar's aggregate classification.

NM_022132.5(MCCC2):c.1438A>G (p.Asn480Asp)

Gene: MCCC2 (methylcrotonyl-CoA carboxylase subunit 2; plus strand). Cytogenetic location: 5q13.2.
Variant type: single nucleotide variant.
Coding change: c.1438A>G on transcript NM_022132.5 (MANE Select); coding-DNA position 1438, A replaced by G.
Protein change: p.Asn480Asp; replaces asparagine 480 with aspartic acid.
Molecular consequence: missense variant.
Genome position (GRCh38, 1-based): chr5:71,650,133, A>G. VCF-style: chr5-71650133-A-G. GRCh37 (hg19) VCF-style: chr5-70945960-A-G.
Other names: c.1438A>G (NM_022132.4); c.1324A>G, p.Asn442Asp (NM_001363147.1); short protein forms N442D, N480D.
Identifiers: ClinVar variation 991036 (VCV000991036.6), dbSNP rs201060452, ClinGen allele CA3298148.